The following is an entry in ClinVar:

ClinVar aggregate classification (germline): Uncertain significance. Review status: criteria provided, multiple submitters, no conflicts (2 of 4 stars). 2 submissions from 2 submitters: Uncertain significance (2). Last evaluated 2026-02-03.

Conditions:
PLXNA1-related disorder. Also called: PLXNA1-related condition.

Allele frequency attached by ClinVar (database versions not stated): gnomAD exomes 0.00001; ExAC 0.00003; gnomAD 0.00004; TOPMed 0.00005.

Submissions (2):

PreventionGenetics, part of Exact Sciences
Classification: Uncertain significance for PLXNA1-related condition. Last evaluated: 2026-02-03. Review status: criteria provided, single submitter. Criteria: ACMG Guidelines, 2015. Collection method: clinical testing. Allele origin: germline.
Comment: The PLXNA1 c.2096G>A variant is predicted to result in the amino acid substitution p.Arg699His. This variant has been reported in an individual with Parkinson’s disease (Supplementary Table 1 and 2, Li et al. 2023. PubMed ID: 37397528). This variant is reported in 0.0080% of alleles in individuals of African descent in gnomAD. At this time, the clinical significance of this variant is uncertain due to the absence of conclusive functional and genetic evidence.

Ambry Genetics
Classification: Uncertain significance. Last evaluated: 2025-02-05. Review status: criteria provided, single submitter. Criteria: Ambry Variant Classification Scheme 2023. Collection method: clinical testing. Allele origin: germline.

NM_032242.4(PLXNA1):c.2096G>A (p.Arg699His)

Gene: PLXNA1 (plexin A1; plus strand). Cytogenetic location: 3q21.3.
Variant type: single nucleotide variant.
Coding change: c.2096G>A on transcript NM_032242.4 (MANE Select); coding-DNA position 2096, G replaced by A.
Protein change: p.Arg699His; replaces arginine 699 with histidine.
Molecular consequence: missense variant.
Genome position (GRCh38, 1-based): chr3:127,007,897, G>A. VCF-style: chr3-127007897-G-A. GRCh37 (hg19) VCF-style: chr3-126726740-G-A.
Other names: short protein forms R699H.
Identifiers: ClinVar variation 2358475 (VCV002358475.7), dbSNP rs779409701, ClinGen allele CA2593494.